The following is an entry in ClinVar:

NM_004086.3(COCH):c.272G>A (p.Arg91Gln)

Genes: COCH-AS1 (COCH antisense RNA 1; minus strand), COCH (cochlin; plus strand). Cytogenetic location: 14q12.
Variant type: single nucleotide variant.
Coding change: c.272G>A on transcript NM_004086.3 (MANE Select); coding-DNA position 272, G replaced by A.
Protein change: p.Arg91Gln; replaces arginine 91 with glutamine.
Molecular consequence: missense variant.
Genome position (GRCh38, 1-based): chr14:30,878,843, G>A. VCF-style: chr14-30878843-G-A. GRCh37 (hg19) VCF-style: chr14-31348049-G-A.
Other names: c.272G>A, p.Arg91Gln (NM_001135058.2); c.467G>A, p.Arg156Gln (NM_001347720.2); c.272G>A (NM_001135058.1); short protein forms R91Q, R156Q.
Identifiers: ClinVar variation 500137 (VCV000500137.34), dbSNP rs188283330, ClinGen allele CA7142988.

ClinVar aggregate classification (germline): Conflicting classifications of pathogenicity. Review status: criteria provided, conflicting classifications (1 of 4 stars). 7 submissions from 7 submitters: Uncertain significance (3); Likely benign (3). 1 of the submissions does not count toward it. Last evaluated 2025-11-17.

Conditions:
COCH-related disorder. Also called: COCH-related condition.
Autosomal dominant nonsyndromic hearing loss 9. Identifiers: Orphanet 90635, MedGen C1832425, MONDO:0011058, OMIM 601369.

Allele frequency attached by ClinVar (database versions not stated): ESP Exome Variant Server 0.00031; gnomAD exomes 0.00031; 1000 Genomes Project 30x 0.00078; 1000 Genomes Project 0.00100; TOPMed 0.00020; ExAC 0.00029.

Submissions (7):

Labcorp Genetics (formerly Invitae), Labcorp
Classification: Likely benign. Last evaluated: 2025-11-17. Review status: criteria provided, single submitter. Criteria: Invitae Variant Classification Sherloc (09022015). Collection method: clinical testing. Allele origin: germline.

CeGaT Center for Human Genetics Tuebingen
Classification: Uncertain significance. Last evaluated: 2025-11-01. Review status: criteria provided, single submitter. Criteria: CeGaT Center For Human Genetics Tuebingen Variant Classification Criteria Version 2. Collection method: clinical testing. Allele origin: germline. Affected: yes. Observed: 1 variant allele.

Blueprint Genetics
Classification: Likely benign. Last evaluated: 2024-06-27. Review status: criteria provided, single submitter. Criteria: ACMG Guidelines, 2015. Collection method: clinical testing. Allele origin: germline.

ARUP Laboratories, Molecular Genetics and Genomics, ARUP Laboratories
Classification: Uncertain significance. Last evaluated: 2019-05-10. Review status: criteria provided, single submitter. Criteria: ARUP Molecular Germline Variant Investigation Process. Collection method: clinical testing. Allele origin: germline.
Comment: The COCH c.272G>A; p.Arg91Gln variant (rs188283330), to our knowledge, is not reported in the medical literature, gene specific variation databases, nor has it been previously identified by our laboratory. This variant is listed in the genome Aggregation Database (gnomAD) with an East Asian population frequency of 0.16% (identified on 30 out of 18,870 chromosomes). The arginine at position 91 is moderately conserved, considering 12 species, and computational analyses of the effects of the p.Arg91Gln variant on protein structure and function make conflicting predictions (SIFT: tolerated, PolyPhen-2: probably damaging). Based on the available information, the clinical significance of the p.Arg91Gln variant cannot be determined with certainty.

Illumina Laboratory Services, Illumina
Classification: Likely benign for Autosomal dominant nonsyndromic hearing loss 9. Last evaluated: 2018-01-13. Review status: criteria provided, single submitter. Criteria: ICSL Variant Classification Criteria 13 December 2019. Collection method: clinical testing. Allele origin: germline.
Comment: This variant was observed in the ICSL laboratory as part of a predisposition screen in an ostensibly healthy population. It had not been previously curated by ICSL or reported in the Human Gene Mutation Database (HGMD: prior to June 1st, 2018), and was therefore a candidate for classification through an automated scoring system. Utilizing variant allele frequency, disease prevalence and penetrance estimates, and inheritance mode, an automated score was calculated to assess if this variant is too frequent to cause the disease. Based on the score and internal cut-off values, a variant classified as likely benign is not then subjected to further curation. The score for this variant resulted in a classification of likely benign for this disease.

Eurofins Ntd Llc (ga)
Classification: Uncertain significance. Last evaluated: 2017-02-02. Review status: criteria provided, single submitter. Criteria: EGL Classification Definitions 2015. Collection method: clinical testing. Allele origin: germline. Observed: 1 variant allele, 1 heterozygote.

PreventionGenetics, part of Exact Sciences
Classification: Likely benign for COCH-related condition. Last evaluated: 2023-05-03. Review status: no assertion criteria provided. Collection method: clinical testing. Allele origin: germline. Not counted in ClinVar's aggregate classification.
Comment: This variant is classified as likely benign based on ACMG/AMP sequence variant interpretation guidelines (Richards et al. 2015 PMID: 25741868, with internal and published modifications).